The following is an entry in ClinVar:

ClinVar aggregate classification (germline): Pathogenic (1 of 4 stars; one submission).

Conditions:
Hyperekplexia 3 (HKPX3). Also called: HYPEREKPLEXIA 3, AUTOSOMAL RECESSIVE; HYPEREKPLEXIA 3, AUTOSOMAL DOMINANT. Identifiers: Orphanet 3197, MedGen C3553288, MONDO:0013827, OMIM 614618.

Submission:

Labcorp Genetics (formerly Invitae), Labcorp
Classification: Pathogenic for Hyperekplexia 3. Last evaluated: 2023-07-07. Review status: criteria provided, single submitter. Criteria: Invitae Variant Classification Sherloc (09022015). Collection method: clinical testing. Allele origin: germline.
Comment: This sequence change creates a premature translational stop signal (p.Pro561Leufs*10) in the SLC6A5 gene. It is expected to result in an absent or disrupted protein product. Loss-of-function variants in SLC6A5 are known to be pathogenic (PMID: 14622583, 16751771, 22700964). This variant is not present in population databases (gnomAD no frequency). This variant has not been reported in the literature in individuals affected with SLC6A5-related conditions. For these reasons, this variant has been classified as Pathogenic.

Literature cited by the submitters: PubMed 14622583; PubMed 16751771; PubMed 22700964.

NM_004211.5(SLC6A5):c.1680_1681dup (p.Pro561fs)

Gene: SLC6A5 (solute carrier family 6 member 5; plus strand). Cytogenetic location: 11p15.1.
Variant type: Microsatellite.
Coding change: c.1680_1681dup on transcript NM_004211.5 (MANE Select); coding-DNA positions 1680 to 1681, 2 bases duplicated (TC; older notation c.1680_1681dupTC).
Protein change: p.Pro561fs; shifts the reading frame from proline 561.
Molecular consequence: frameshift variant.
Genome position (GRCh38, 1-based): chr11:20,636,362-20,636,363, TC duplicated; duplicating any 2 consecutive bases within chr11:20,636,355-20,636,363 gives the same sequence; the c. name uses the placement nearest the transcript's 3' end. VCF-style (leftmost placement, unchanged base first): chr11-20636354-C-CCT. GRCh37 (hg19) VCF-style: chr11-20657900-C-CCT.
Other names: c.978_979dup, p.Pro327fs (NM_001318369.2); short protein forms P561fs, P327fs.
Identifiers: ClinVar variation 1455981 (VCV001455981.6), dbSNP rs1468013577, ClinGen allele CA2574780418.